The following is an entry in ClinVar:

NM_194248.3(OTOF):c.5087_5095del (p.Lys1696_Gly1698del)

Genes: OTOF (otoferlin; minus strand), LOC112840921 (BRD4-independent group 4 enhancer GRCh37_chr2:26685720-26686919; plus strand). Cytogenetic location: 2p23.3.
Variant type: Deletion.
Coding change: c.5087_5095del on transcript NM_194248.3 (MANE Select); coding-DNA positions 5087 to 5095, 9 bases deleted (AGCCGGGCA; older notation c.5087_5095delAGCCGGGCA).
Protein change: p.Lys1696_Gly1698del.
Genome position (GRCh38, 1-based): chr2:26,463,972-26,463,980, TGCCCGGCT deleted on the plus strand (AGCCGGGCA on the coding strand, the reverse complement: OTOF is on the minus strand); deleting any 9 consecutive bases within chr2:26,463,972-26,463,982 gives the same sequence; the c. name uses the placement nearest the transcript's 3' end. VCF-style (leftmost placement, unchanged base first): chr2-26463971-ATGCCCGGCT-A. GRCh37 (hg19) VCF-style: chr2-26686839-ATGCCCGGCT-A.
Other names: c.5087_5095del, p.Lys1696_Gly1698del (NM_001287489.2); c.2786_2794del, p.Lys929_Gly931del (NM_004802.4, NM_194323.3); c.3017_3025del, p.Lys1006_Gly1008del (NM_194322.3).
Identifiers: ClinVar variation 3601551 (VCV003601551.1).

ClinVar aggregate classification (germline): Likely pathogenic (1 of 4 stars; one submission).

Conditions:
Autosomal recessive nonsyndromic hearing loss 9. Also called: NEUROSENSORY NONSYNDROMIC RECESSIVE DEAFNESS 9; OTOF-Related Hearing Loss; Deafness, autosomal recessive 9; AUDITORY NEUROPATHY, AUTOSOMAL RECESSIVE, 1, TEMPERATURE-SENSITIVE. Identifiers: Orphanet 90636, MedGen C1832828, MONDO:0010986, OMIM 601071.

Submission:

Institute of Rare Diseases, West China Hospital, Sichuan University
Classification: Likely pathogenic for Autosomal recessive nonsyndromic hearing loss 9. Last evaluated: 2025-01-09. Review status: criteria provided, single submitter. Criteria: ClinGen HL ACMG Specifications v1. Collection method: research. Allele origin: germline. Affected: yes.
Comment: PM3;PP1;PP4;PM2_Supporting;PM4